The following is an entry in ClinVar:

ClinVar aggregate classification (germline): Uncertain significance (1 of 4 stars; one submission).

Submission:

GeneDx
Classification: Uncertain significance. Last evaluated: 2025-08-01. Review status: criteria provided, single submitter. Criteria: GeneDx Variant Classification Process June 2021. Collection method: clinical testing. Allele origin: germline. Affected: yes.
Comment: Identified in an individual from a large cohort study of patients with autism spectrum disorder (PMID: 35982159); Not observed at significant frequency in large population cohorts (gnomAD); In silico analysis suggests that this missense variant does not alter protein structure/function; This variant is associated with the following publications: (PMID: 35982160, 8616895, 35982159)

NM_004380.3(CREBBP):c.6211C>G (p.Leu2071Val)

Gene: CREBBP (CREB binding lysine acetyltransferase; minus strand). Cytogenetic location: 16p13.3.
Variant type: single nucleotide variant.
Coding change: c.6211C>G on transcript NM_004380.3 (MANE Select); coding-DNA position 6211, C replaced by G.
Protein change: p.Leu2071Val; replaces leucine 2071 with valine.
Molecular consequence: missense variant.
Genome position (GRCh38, 1-based): chr16:3,728,836, G>C on the plus strand (C>G on the coding strand, the complement: CREBBP is on the minus strand). VCF-style: chr16-3728836-G-C. GRCh37 (hg19) VCF-style: chr16-3778837-G-C.
Other names: c.6097C>G, p.Leu2033Val (NM_001079846.1); short protein forms L2033V, L2071V.
Identifiers: ClinVar variation 4689836 (VCV004689836.1).